The following is an entry in ClinVar:

ClinVar aggregate classification (germline): Uncertain significance (1 of 4 stars; one submission).

Conditions:
Epidermolysis bullosa simplex, Ogna type (EBS5A). Also called: Pidermolysis bullosa simplex 5A, Ogna type; EPIDERMOLYSIS BULLOSA SIMPLEX 5A, OGNA TYPE. Identifiers: Orphanet 79401, MedGen C0432317, MONDO:0007555, OMIM 131950.
Epidermolysis bullosa simplex 5C, with pyloric atresia (EBS5C). Also called: Epidermolysis bullosa simplex with pyloric atresia; PLEC-Related Epidermolysis Bullosa with Pyloric Atresia; PLEC1-Related Epidermolysis Bullosa with Pyloric Atresia. Identifiers: Orphanet 158684, MedGen C2677349, MONDO:0012807, OMIM 612138.
Epidermolysis bullosa simplex with nail dystrophy (EBS5D). Identifiers: MedGen C4225309, MONDO:0014661, OMIM 616487.
Epidermolysis bullosa simplex 5B, with muscular dystrophy (EBS5B). Also called: EPIDERMOLYSIS BULLOSA SIMPLEX AND LIMB-GIRDLE MUSCULAR DYSTROPHY; Epidermolysis bullosa simplex with muscular dystrophy. Identifiers: Orphanet 257, MedGen C2931072, MONDO:0009181, OMIM 226670.
Autosomal recessive limb-girdle muscular dystrophy type 2Q (LGMDR17). Also called: MUSCULAR DYSTROPHY, LIMB-GIRDLE, AUTOSOMAL RECESSIVE 17. Identifiers: Orphanet 254361, MedGen C3150989, MONDO:0013390, OMIM 613723.

Allele frequency attached by ClinVar (database versions not stated): gnomAD exomes 0.00001 and 0.00002; TOPMed 0.00001; ExAC 0.00003; gnomAD 0.00003.

Submission:

Labcorp Genetics (formerly Invitae), Labcorp
Classification: Uncertain significance for Autosomal recessive limb-girdle muscular dystrophy type 2Q; Epidermolysis bullosa simplex, Ogna type; Epidermolysis bullosa simplex with nail dystrophy; Epidermolysis bullosa simplex 5C, with pyloric atresia; Epidermolysis bullosa simplex 5B, with muscular dystrophy. Last evaluated: 2024-09-23. Review status: criteria provided, single submitter. Criteria: Invitae Variant Classification Sherloc (09022015). Collection method: clinical testing. Allele origin: germline.
Comment: This sequence change replaces arginine, which is basic and polar, with cysteine, which is neutral and slightly polar, at codon 1599 of the PLEC protein (p.Arg1599Cys). This variant is present in population databases (rs375608517, gnomAD 0.007%). This missense change has been observed in individual(s) with limb-girdle muscular dystrophy (PMID: 31319225). ClinVar contains an entry for this variant (Variation ID: 649546). Experimental studies and prediction algorithms are not available or were not evaluated, and the functional significance of this variant is currently unknown. In summary, the available evidence is currently insufficient to determine the role of this variant in disease. Therefore, it has been classified as a Variant of Uncertain Significance.

Literature cited by the submitters: PubMed 31319225.

NM_201384.3(PLEC):c.4714C>T (p.Arg1572Cys)

Gene: PLEC (plectin; minus strand). Cytogenetic location: 8q24.3.
Variant type: single nucleotide variant.
Coding change: c.4714C>T on transcript NM_201384.3 (MANE Select); coding-DNA position 4714, C replaced by T.
Protein change: p.Arg1572Cys; replaces arginine 1572 with cysteine.
Molecular consequence: missense variant.
Genome position (GRCh38, 1-based): chr8:143,925,215, G>A on the plus strand (C>T on the coding strand, the complement: PLEC is on the minus strand). VCF-style: chr8-143925215-G-A. GRCh37 (hg19) VCF-style: chr8-144999383-G-A.
Other names: c.4795C>T, p.Arg1599Cys (NM_000445.5); c.4672C>T, p.Arg1558Cys (NM_201378.4); c.4648C>T, p.Arg1550Cys (NM_201379.3); c.5125C>T, p.Arg1709Cys (NM_201380.4); c.4618C>T, p.Arg1540Cys (NM_201381.3); c.4714C>T, p.Arg1572Cys (NM_201382.4); c.4726C>T, p.Arg1576Cys (NM_201383.3); short protein forms R1709C, R1550C, R1599C, R1540C, R1558C, R1572C, R1576C.
Identifiers: ClinVar variation 649546 (VCV000649546.8), dbSNP rs375608517, ClinGen allele CA4926559.